The following is an entry in ClinVar:

NM_171998.4(RAB39B):c.421C>G (p.Leu141Val)

Gene: RAB39B (RAB39B, member RAS oncogene family; minus strand). Cytogenetic location: Xq28.
Variant type: single nucleotide variant.
Coding change: c.421C>G on transcript NM_171998.4 (MANE Select); coding-DNA position 421, C replaced by G.
Protein change: p.Leu141Val; replaces leucine 141 with valine.
Molecular consequence: missense variant.
Genome position (GRCh38, 1-based): chrX:155,261,024, G>C on the plus strand (C>G on the coding strand, the complement: RAB39B is on the minus strand). VCF-style: chrX-155261024-G-C. GRCh37 (hg19) VCF-style: chrX-154490309-G-C.
Other names: short protein forms L141V.
Identifiers: ClinVar variation 4690020 (VCV004690020.1).
Genomic context (GRCh38, chrX:155,261,024, plus strand): 5'-CCACATTAATGGCATCTCGGGCTGACGTTTCAATGTACTTCATGCCGTATGCAGCAGCCA[G>C]TTTCTCGGCCTCGTGGCGAGTCACTTGCCTCTGTGTATCCAGGTCACACTTGTGACCCAC-3'
Protein context (NP_741995.1, residues 131-151): RQVTRHEAEK[Leu141Val]AAAYGMKYIE

ClinVar aggregate classification (germline): Uncertain significance (1 of 4 stars; one submission).

Submission:

GeneDx
Classification: Uncertain significance. Last evaluated: 2025-07-29. Review status: criteria provided, single submitter. Criteria: GeneDx Variant Classification Process June 2021. Collection method: clinical testing. Allele origin: germline. Affected: yes.
Comment: Not observed at significant frequency in large population cohorts (gnomAD); In silico analysis suggests that this missense variant does not alter protein structure/function; Has not been previously published as pathogenic or benign to our knowledge